The following is an entry in ClinVar:

ClinVar aggregate classification (germline): Pathogenic/Likely pathogenic. Review status: criteria provided, multiple submitters, no conflicts (2 of 4 stars). 2 submissions from 2 submitters: Pathogenic (1); Likely pathogenic (1). Last evaluated 2025-11-28.

Submissions (2):

Labcorp Genetics (formerly Invitae), Labcorp
Classification: Pathogenic. Last evaluated: 2025-11-28. Review status: criteria provided, single submitter. Criteria: Invitae Variant Classification Sherloc (09022015). Collection method: clinical testing. Allele origin: germline.
Comment: This sequence change creates a premature translational stop signal (p.Phe57Leufs*3) in the COL9A1 gene. It is expected to result in an absent or disrupted protein product. Loss-of-function variants in COL9A1 are known to be pathogenic (PMID: 16909383, 21421862). This variant is not present in population databases (gnomAD no frequency). This variant has not been reported in the literature in individuals affected with COL9A1-related conditions. ClinVar contains an entry for this variant (Variation ID: 432346). For these reasons, this variant has been classified as Pathogenic.

GeneDx
Classification: Likely pathogenic. Last evaluated: 2017-06-02. Review status: criteria provided, single submitter. Criteria: GeneDx Variant Classification (06012015). Collection method: clinical testing. Allele origin: germline. Affected: yes.
Comment: The c.171delT variant in the COL9A1 gene has not been reported previously as a pathogenic variant nor as a benign variant, to our knowledge. The c.171delT variant causes a frameshift starting with codon Phenylalanine 57, changes this amino acid to a Leucine residue, and creates a premature Stop codon at position 3 of the new reading frame, denoted p.Phe57LeufsX3. This variant is predicted to cause loss of normal protein function either through protein truncation or nonsense-mediated mRNA decay. The c.171delT variant is not observed in large population cohorts (Lek et al., 2016; 1000 Genomes Consortium et al., 2015; Exome Variant Server). We interpret c.171delT as a likely pathogenic variant.

Literature cited by the submitters: PubMed 16909383 (cited by Labcorp Genetics (formerly Invitae), Labcorp); PubMed 21421862 (cited by Labcorp Genetics (formerly Invitae), Labcorp).

NM_001851.6(COL9A1):c.171del (p.Phe57fs)

Gene: COL9A1 (collagen type IX alpha 1 chain; minus strand). Cytogenetic location: 6q13.
Variant type: Deletion.
Coding change: c.171del on transcript NM_001851.6 (MANE Select); coding-DNA position 171, one base deleted (T; older notation c.171delT).
Protein change: p.Phe57fs; shifts the reading frame from phenylalanine 57.
Molecular consequence: frameshift variant.
Genome position (GRCh38, 1-based): chr6:70,300,171, A deleted on the plus strand (T on the coding strand, the reverse complement: COL9A1 is on the minus strand); the first of 3 consecutive A bases (chr6:70,300,171-70,300,173); deleting any one gives the same sequence. VCF-style (leftmost placement, unchanged base first): chr6-70300170-CA-C. GRCh37 (hg19) VCF-style: chr6-71009873-CA-C.
Other names: c.171del, p.Phe57fs (NM_001377291.1); short protein forms F57fs.
Identifiers: ClinVar variation 432346 (VCV000432346.3), dbSNP rs1554248926, ClinGen allele CA645372822.